The following is an entry in ClinVar:

ClinVar aggregate classification (germline): Uncertain significance (1 of 4 stars; one submission).

Conditions:
Epilepsy, familial focal, with variable foci 3 (FFEVF3). Identifiers: MedGen C4310708, MONDO:0014925, OMIM 617118.

Submission:

Labcorp Genetics (formerly Invitae), Labcorp
Classification: Uncertain significance for Epilepsy, familial focal, with variable foci 3. Last evaluated: 2023-02-14. Review status: criteria provided, single submitter. Criteria: Invitae Variant Classification Sherloc (09022015). Collection method: clinical testing. Allele origin: germline.
Comment: In summary, the available evidence is currently insufficient to determine the role of this variant in disease. Therefore, it has been classified as a Variant of Uncertain Significance. Experimental studies and prediction algorithms are not available or were not evaluated, and the effect of this variant on mRNA splicing is currently unknown. This variant has not been reported in the literature in individuals affected with NPRL3-related conditions. Information on the frequency of this variant in the gnomAD database is not available, as this variant may be reported differently in the database. This sequence change falls in intron 5 of the NPRL3 gene. It does not directly change the encoded amino acid sequence of the NPRL3 protein.

NM_001077350.3(NPRL3):c.394-16_394-15delinsTT

Genes: HBA-LCR (alpha-globin locus control region; plus strand), NPRL3 (NPR3 like, GATOR1 complex subunit; minus strand). Cytogenetic location: 16p13.3.
Variant type: Indel.
Coding change: c.394-16_394-15delinsTT on transcript NM_001077350.3 (MANE Select); 16 bases into the intron before coding-DNA position 394 through 15 bases into the intron before coding-DNA position 394, GG replaced by TT.
Molecular consequence: intron variant.
Genome position (GRCh38, 1-based): chr16:112,790-112,791, CC replaced by AA on the plus strand (GG replaced by TT on the coding strand, the reverse complement: NPRL3 is on the minus strand). VCF-style: chr16-112790-CC-AA. GRCh37 (hg19) VCF-style: chr16-162789-CC-AA.
Other names: c.160-16_160-15delinsTT (NM_001243247.2); c.319-16_319-15delinsTT (NM_001243248.2, NM_001243249.2); c.-144-16_-144-15delinsTT (NM_001039476.3).
Identifiers: ClinVar variation 2837481 (VCV002837481.3), dbSNP rs2542856618, ClinGen allele CA2739269858.